The following is an entry in ClinVar:

NC_000009.11:g.(?_271607)_(332498_?)del

Gene: DOCK8 (dedicator of cytokinesis 8; plus strand). Cytogenetic location: 9p24.3.
Variant type: Deletion.
Identifiers: ClinVar variation 1454702 (VCV001454702.9).

ClinVar aggregate classification (germline): Pathogenic (1 of 4 stars; one submission).

Conditions:
Hyper-IgE recurrent infection syndrome 3, autosomal recessive. Also called: Autosomal recessive hyper-IgE syndrome due to ZNF341 deficiency; HYPER-IgE SYNDROME 3, AUTOSOMAL RECESSIVE, WITH RECURRENT INFECTIONS. Identifiers: Orphanet 641368, MedGen C4748969, MONDO:0032654, OMIM 618282.

Submission:

Labcorp Genetics (formerly Invitae), Labcorp
Classification: Pathogenic for Combined immunodeficiency due to DOCK8 deficiency. Last evaluated: 2022-02-24. Review status: criteria provided, single submitter. Criteria: Invitae Variant Classification Sherloc (09022015). Collection method: clinical testing. Allele origin: germline.
Comment: For these reasons, this variant has been classified as Pathogenic. This variant has not been reported in the literature in individuals affected with DOCK8-related conditions. This variant is a gross deletion of the genomic region encompassing exon(s) 2-10 of the DOCK8 gene. This deletion is out-of-frame, and is expected to create a premature termination codon and result in an absent or disrupted protein product. Loss-of-function variants in DOCK8 are known to be pathogenic (PMID: 14722525, 19776401).

Literature cited by the submitters: PubMed 14722525; PubMed 19776401.